The following is an entry in ClinVar:

NM_001243133.2(NLRP3):c.817C>G (p.Leu273Val)

Gene: NLRP3 (NLR family pyrin domain containing 3; plus strand). Cytogenetic location: 1q44.
Variant type: single nucleotide variant.
Coding change: c.817C>G on transcript NM_001243133.2 (MANE Select); coding-DNA position 817, C replaced by G.
Protein change: p.Leu273Val; replaces leucine 273 with valine.
Molecular consequence: missense variant.
Genome position (GRCh38, 1-based): chr1:247,424,266, C>G. VCF-style: chr1-247424266-C-G. GRCh37 (hg19) VCF-style: chr1-247587568-C-G.
Other names: c.817C>G, p.Leu273Val (NM_001079821.3, NM_001127461.3, NM_001127462.3 and 1 more transcripts); c.823C>G, p.Leu275Val (NM_004895.5); short protein forms L273V, L275V.
Identifiers: ClinVar variation 2873394 (VCV002873394.4), dbSNP rs2527260726, ClinGen allele CA345555490.

ClinVar aggregate classification (germline): Uncertain significance. Review status: criteria provided, multiple submitters, no conflicts (2 of 4 stars). 2 submissions from 2 submitters: Uncertain significance (2). Last evaluated 2025-03-12.

Conditions:
Cryopyrin associated periodic syndrome (CAPS). Identifiers: Orphanet 208650, MedGen C2316212, MONDO:0016168.

Allele frequency attached by ClinVar (database versions not stated): gnomAD exomes 0.00001.
gnomAD v4.1: 11 of 1,614,114 alleles (0.00068%); highest among the groups gnomAD compares: Non-Finnish European, 0.00093%; no homozygotes.

Submissions (2):

GeneDx
Classification: Uncertain significance. Last evaluated: 2025-03-12. Review status: criteria provided, single submitter. Criteria: GeneDx Variant Classification Process June 2021. Collection method: clinical testing. Allele origin: germline. Affected: yes.
Comment: Not observed at significant frequency in large population cohorts (gnomAD); In silico analysis supports that this missense variant has a deleterious effect on protein structure/function; Has not been previously published as pathogenic or benign to our knowledge; This variant is associated with the following publications: (PMID: 19302049)

Labcorp Genetics (formerly Invitae), Labcorp
Classification: Uncertain significance for Cryopyrin associated periodic syndrome. Last evaluated: 2022-12-23. Review status: criteria provided, single submitter. Criteria: Invitae Variant Classification Sherloc (09022015). Collection method: clinical testing. Allele origin: germline.
Comment: In summary, the available evidence is currently insufficient to determine the role of this variant in disease. Therefore, it has been classified as a Variant of Uncertain Significance. Algorithms developed to predict the effect of missense changes on protein structure and function (SIFT, PolyPhen-2, Align-GVGD) all suggest that this variant is likely to be disruptive. This variant has not been reported in the literature in individuals affected with NLRP3-related conditions. This variant is not present in population databases (gnomAD no frequency). This sequence change replaces leucine, which is neutral and non-polar, with valine, which is neutral and non-polar, at codon 275 of the NLRP3 protein (p.Leu275Val).